The following is an entry in ClinVar:

ClinVar aggregate classification (germline): Uncertain significance. Review status: criteria provided, multiple submitters, no conflicts (2 of 4 stars). 2 submissions from 2 submitters: Uncertain significance (2). Last evaluated 2026-09-09.

Conditions:
Inborn genetic diseases. Identifiers: MedGen C0950123, MeSH D030342.

Submissions (2):

Ambry Genetics
Classification: Uncertain significance for Inborn genetic diseases. Last evaluated: 2026-09-09. Review status: criteria provided, single submitter. Criteria: Ambry Variant Classification Scheme 2023. Collection method: clinical testing. Allele origin: germline.

Labcorp Genetics (formerly Invitae), Labcorp
Classification: Uncertain significance. Last evaluated: 2024-11-25. Review status: criteria provided, single submitter. Criteria: Invitae Variant Classification Sherloc (09022015). Collection method: clinical testing. Allele origin: germline.
Comment: This sequence change replaces threonine, which is neutral and polar, with serine, which is neutral and polar, at codon 1059 of the COL11A2 protein (p.Thr1059Ser). This variant is not present in population databases (gnomAD no frequency). This variant has not been reported in the literature in individuals affected with COL11A2-related conditions. Invitae Evidence Modeling of protein sequence and biophysical properties (such as structural, functional, and spatial information, amino acid conservation, physicochemical variation, residue mobility, and thermodynamic stability) indicates that this missense variant is not expected to disrupt COL11A2 protein function with a negative predictive value of 95%. In summary, the available evidence is currently insufficient to determine the role of this variant in disease. Therefore, it has been classified as a Variant of Uncertain Significance.

NM_080680.3(COL11A2):c.3176C>G (p.Thr1059Ser)

Gene: COL11A2 (collagen type XI alpha 2 chain; minus strand). Cytogenetic location: 6p21.32.
Variant type: single nucleotide variant.
Coding change: c.3176C>G on transcript NM_080680.3 (MANE Select); coding-DNA position 3176, C replaced by G.
Protein change: p.Thr1059Ser; replaces threonine 1059 with serine.
Molecular consequence: missense variant.
Genome position (GRCh38, 1-based): chr6:33,171,549, G>C on the plus strand (C>G on the coding strand, the complement: COL11A2 is on the minus strand). VCF-style: chr6-33171549-G-C. GRCh37 (hg19) VCF-style: chr6-33139326-G-C.
Other names: c.2996C>G, p.Thr999Ser (NM_001424108.1); c.2330C>G, p.Thr777Ser (NM_001424109.1); c.2150C>G, p.Thr717Ser (NM_001424110.1, NM_001424111.1); c.1130C>G, p.Thr377Ser (NM_001424112.1); c.2855C>G, p.Thr952Ser (NM_080679.3); c.2918C>G, p.Thr973Ser (NM_080681.3); c.3176C>G (NM_080680.2); short protein forms T1059S, T999S, T777S, T717S, T952S, T973S, T377S.
Identifiers: ClinVar variation 3719541 (VCV003719541.3).